The following is an entry in ClinVar:

ClinVar aggregate classification (germline): Benign/Likely benign. Review status: criteria provided, single submitter (1 of 4 stars). 2 submissions from 1 submitter: Benign (1); Likely benign (1). Last evaluated 2018-01-13.

Conditions:
Charcot-Marie-Tooth disease type 4C (CMT4C). Also called: CHARCOT-MARIE-TOOTH DISEASE, DEMYELINATING, AUTOSOMAL RECESSIVE, TYPE 4C; CMT 4C; Charcot-Marie-Tooth Neuropathy Type 4C (CMT4C); CHARCOT-MARIE-TOOTH DISEASE, DEMYELINATING, TYPE 4C; SH3TC2-Related Hereditary Motor and Sensory Neuropathy. Identifiers: Orphanet 99949, MedGen C1866636, MONDO:0011113, OMIM 601596.
Susceptibility to mononeuropathy of the median nerve, mild. Also called: CARPAL TUNNEL SYNDROME, SUSCEPTIBILITY TO. Identifiers: MedGen C3150596, MONDO:0013237, OMIM 613353.

Allele frequency attached by ClinVar (database versions not stated): gnomAD 0.00286 and 0.00312; TOPMed 0.00300; 1000 Genomes Project 0.00399; 1000 Genomes Project 30x 0.00453.
gnomAD v4.1: 433 of 152,308 alleles (0.28%); highest among the groups gnomAD compares: African/African-American, 1%; 1 homozygote.

Submissions (2):

Illumina Laboratory Services, Illumina
Classification: Benign for Susceptibility to mononeuropathy of the median nerve, mild. Last evaluated: 2018-01-13. Review status: criteria provided, single submitter. Criteria: ICSL Variant Classification Criteria 13 December 2019. Collection method: clinical testing. Allele origin: germline.
Comment: This variant was observed in the ICSL laboratory as part of a predisposition screen in an ostensibly healthy population. It had not been previously curated by ICSL or reported in the Human Gene Mutation Database (HGMD: prior to June 1st, 2018), and was therefore a candidate for classification through an automated scoring system. Utilizing variant allele frequency, disease prevalence and penetrance estimates, and inheritance mode, an automated score was calculated to assess if this variant is too frequent to cause the disease. Based on the score and internal cut-off values, a variant classified as benign is not then subjected to further curation. The score for this variant resulted in a classification of benign for this disease.

Illumina Laboratory Services, Illumina
Classification: Likely benign for Charcot-Marie-Tooth disease type 4C. Last evaluated: 2018-01-13. Review status: criteria provided, single submitter. Criteria: ICSL Variant Classification Criteria 13 December 2019. Collection method: clinical testing. Allele origin: germline.
Comment: This variant was observed in the ICSL laboratory as part of a predisposition screen in an ostensibly healthy population. It had not been previously curated by ICSL or reported in the Human Gene Mutation Database (HGMD: prior to June 1st, 2018), and was therefore a candidate for classification through an automated scoring system. Utilizing variant allele frequency, disease prevalence and penetrance estimates, and inheritance mode, an automated score was calculated to assess if this variant is too frequent to cause the disease. Based on the score and internal cut-off values, a variant classified as likely benign is not then subjected to further curation. The score for this variant resulted in a classification of likely benign for this disease.

NM_024577.4(SH3TC2):c.*11010A>G

Gene: SH3TC2 (SH3 domain and tetratricopeptide repeats 2; minus strand). Cytogenetic location: 5q32.
Variant type: single nucleotide variant.
Coding change: c.*11010A>G on transcript NM_024577.4 (MANE Select); 11010 bases downstream of the stop codon, A replaced by G.
Molecular consequence: 3 prime UTR variant.
Genome position (GRCh38, 1-based): chr5:148,993,701, T>C on the plus strand (A>G on the coding strand, the complement: SH3TC2 is on the minus strand). VCF-style: chr5-148993701-T-C. GRCh37 (hg19) VCF-style: chr5-148373264-T-C.
Identifiers: ClinVar variation 351699 (VCV000351699.5), dbSNP rs114735628, ClinGen allele CA10619474.